The following is an entry in ClinVar:

ClinVar aggregate classification (germline): Uncertain significance (1 of 4 stars; one submission).

Conditions:
Holocarboxylase synthetase deficiency. Also called: MULTIPLE CARBOXYLASE DEFICIENCY, EARLY ONSET. Identifiers: Orphanet 79242, MedGen C0268581, MONDO:0009666, OMIM 253270.

Allele frequency attached by ClinVar (database versions not stated): gnomAD exomes below 0.00001.
gnomAD v4.1: 2 of 1,614,198 alleles (0.00012%); highest among the groups gnomAD compares: Admixed American, 0.0033%; no homozygotes.

Submission:

Labcorp Genetics (formerly Invitae), Labcorp
Classification: Uncertain significance for Holocarboxylase synthetase deficiency. Last evaluated: 2022-05-16. Review status: criteria provided, single submitter. Criteria: Invitae Variant Classification Sherloc (09022015). Collection method: clinical testing. Allele origin: germline.
Comment: This sequence change replaces threonine, which is neutral and polar, with proline, which is neutral and non-polar, at codon 221 of the HLCS protein (p.Thr221Pro). This variant is not present in population databases (gnomAD no frequency). This variant has not been reported in the literature in individuals affected with HLCS-related conditions. Advanced modeling of protein sequence and biophysical properties (such as structural, functional, and spatial information, amino acid conservation, physicochemical variation, residue mobility, and thermodynamic stability) performed at Invitae indicates that this missense variant is not expected to disrupt HLCS protein function. In summary, the available evidence is currently insufficient to determine the role of this variant in disease. Therefore, it has been classified as a Variant of Uncertain Significance.

NM_001352514.2(HLCS):c.1102A>C (p.Thr368Pro)

Gene: HLCS (holocarboxylase synthetase; minus strand). Cytogenetic location: 21q22.13.
Variant type: single nucleotide variant.
Coding change: c.1102A>C on transcript NM_001352514.2 (MANE Select); coding-DNA position 1102, A replaced by C.
Protein change: p.Thr368Pro; replaces threonine 368 with proline.
Molecular consequence: missense variant. On other transcripts: non-coding transcript variant (2).
Genome position (GRCh38, 1-based): chr21:36,936,784, T>G on the plus strand (A>C on the coding strand, the complement: HLCS is on the minus strand). VCF-style: chr21-36936784-T-G. GRCh37 (hg19) VCF-style: chr21-38309084-T-G.
Other names: c.661A>C, p.Thr221Pro (NM_000411.8, NM_001242784.3, NM_001242785.2 and 4 more transcripts); short protein forms T221P, T368P.
Identifiers: ClinVar variation 2123982 (VCV002123982.1), dbSNP rs2517578168, ClinGen allele CA409912571.
Genomic context (GRCh38, chr21:36,936,784, plus strand): 5'-CTCCCTGAGAAAGATAGGCCATGAACTTCTGGTACAGGTCTTCGGGAATGGACTCCCTGG[T>G]AGCAATGACCAACAGCAGACAGTTGTCCGTCCACGGGTCTCTGAGAGCACTGTCCTCCAG-3'
Protein context (NP_001339443.1, residues 358-378): TDNCLLLVIA[Thr368Pro]RESIPEDLYQ